The following is an entry in ClinVar:

ClinVar aggregate classification (germline): Uncertain significance (1 of 4 stars; one submission).

gnomAD v4.1: 2 of 1,613,802 alleles (0.00012%); highest among the groups gnomAD compares: South Asian, 0.0011%; no homozygotes.

Submission:

Ambry Genetics
Classification: Uncertain significance. Last evaluated: 2021-11-06. Review status: criteria provided, single submitter. Criteria: Ambry Variant Classification Scheme 2023. Collection method: clinical testing. Allele origin: germline.
Comment: The p.T324I variant (also known as c.971C>T), located in coding exon 9 of the FAM175A gene, results from a C to T substitution at nucleotide position 971. The threonine at codon 324 is replaced by isoleucine, an amino acid with similar properties. This amino acid position is conserved. In addition, the in silico prediction for this alteration is inconclusive. Since supporting evidence is limited at this time, the clinical significance of this alteration remains unclear.

NM_139076.3(ABRAXAS1):c.971C>T (p.Thr324Ile)

Gene: ABRAXAS1 (abraxas 1, BRCA1 A complex subunit; minus strand). Cytogenetic location: 4q21.23.
Variant type: single nucleotide variant.
Coding change: c.971C>T on transcript NM_139076.3 (MANE Select); coding-DNA position 971, C replaced by T.
Protein change: p.Thr324Ile; replaces threonine 324 with isoleucine.
Molecular consequence: missense variant.
Genome position (GRCh38, 1-based): chr4:83,462,728, G>A on the plus strand (C>T on the coding strand, the complement: ABRAXAS1 is on the minus strand). VCF-style: chr4-83462728-G-A. GRCh37 (hg19) VCF-style: chr4-84383881-G-A.
Other names: c.644C>T, p.Thr215Ile (NM_001345962.2); short protein forms T215I, T324I.
Identifiers: ClinVar variation 1799797 (VCV001799797.2), dbSNP rs1300187794, ClinGen allele CA357255697.